The following is an entry in ClinVar:

ClinVar aggregate classification (germline): Pathogenic (1 of 4 stars; one submission).

Submission:

Labcorp Genetics (formerly Invitae), Labcorp
Classification: Pathogenic. Last evaluated: 2023-11-05. Review status: criteria provided, single submitter. Criteria: Invitae Variant Classification Sherloc (09022015). Collection method: clinical testing. Allele origin: germline.
Comment: This sequence change creates a premature translational stop signal (p.Asp86Trpfs*100) in the TREM2 gene. It is expected to result in an absent or disrupted protein product. Loss-of-function variants in TREM2 are known to be pathogenic (PMID: 12080485, 12754369, 12883936, 12925681, 23318515, 23582655). This variant is not present in population databases (gnomAD no frequency). This variant has not been reported in the literature in individuals affected with TREM2-related conditions. For these reasons, this variant has been classified as Pathogenic.

Literature cited by the submitters: PubMed 12080485; PubMed 12754369; PubMed 12883936; PubMed 12925681; PubMed 23318515; PubMed 23582655.

NM_018965.4(TREM2):c.256_265del (p.Asp86fs)

Gene: TREM2 (triggering receptor expressed on myeloid cells 2; minus strand). Cytogenetic location: 6p21.1.
Variant type: Deletion.
Coding change: c.256_265del on transcript NM_018965.4 (MANE Select); coding-DNA positions 256 to 265, 10 bases deleted (GACGATACCC; older notation c.256_265delGACGATACCC).
Protein change: p.Asp86fs; shifts the reading frame from aspartic acid 86.
Molecular consequence: frameshift variant.
Genome position (GRCh38, 1-based): chr6:41,161,389-41,161,398, GGGTATCGTC deleted on the plus strand (GACGATACCC on the coding strand, the reverse complement: TREM2 is on the minus strand). VCF-style (leftmost placement, unchanged base first): chr6-41161388-AGGGTATCGTC-A. GRCh37 (hg19) VCF-style: chr6-41129126-AGGGTATCGTC-A.
Other names: c.256_265del, p.Asp86fs (NM_001271821.2); short protein forms D86fs.
Identifiers: ClinVar variation 2693499 (VCV002693499.3), dbSNP rs2532388222, ClinGen allele CA2697553362.